The following is an entry in ClinVar:

ClinVar aggregate classification (germline): Uncertain significance (1 of 4 stars; one submission).

Conditions:
Aortic aneurysm, familial thoracic 8 (AAT8). Identifiers: MedGen C3809513, MONDO:0014187, OMIM 615436.

gnomAD v4.1: 2 of 1,606,912 alleles (0.00012%); highest among the groups gnomAD compares: East Asian, 0.0045%; no homozygotes.

Submission:

Labcorp Genetics (formerly Invitae), Labcorp
Classification: Uncertain significance for Aortic aneurysm, familial thoracic 8. Last evaluated: 2025-04-07. Review status: criteria provided, single submitter. Criteria: Invitae Variant Classification Sherloc (09022015). Collection method: clinical testing. Allele origin: germline.
Comment: This sequence change replaces proline, which is neutral and non-polar, with alanine, which is neutral and non-polar, at codon 293 of the PRKG1 protein (p.Pro293Ala). This variant is not present in population databases (gnomAD no frequency). This variant has not been reported in the literature in individuals affected with PRKG1-related conditions. An algorithm developed to predict the effect of missense changes on protein structure and function (PolyPhen-2) suggests that this variant is likely to be tolerated. In summary, the available evidence is currently insufficient to determine the role of this variant in disease. Therefore, it has been classified as a Variant of Uncertain Significance.

NM_006258.4(PRKG1):c.877C>G (p.Pro293Ala)

Gene: PRKG1 (protein kinase cGMP-dependent 1; plus strand). Cytogenetic location: 10q21.1.
Variant type: single nucleotide variant.
Coding change: c.877C>G on transcript NM_006258.4 (MANE Select); coding-DNA position 877, C replaced by G.
Protein change: p.Pro293Ala; replaces proline 293 with alanine.
Molecular consequence: missense variant. On other transcripts: 5 prime UTR variant (1).
Genome position (GRCh38, 1-based): chr10:52,062,573, C>G. VCF-style: chr10-52062573-C-G. GRCh37 (hg19) VCF-style: chr10-53822333-C-G.
Other names: c.832C>G, p.Pro278Ala (NM_001098512.3); c.-333C>G (NM_001374781.1); c.877C>G, p.Pro293Ala (NM_001374782.1); short protein forms P278A, P293A.
Identifiers: ClinVar variation 4745034 (VCV004745034.1).